The following is an entry in ClinVar:

ClinVar aggregate classification (germline): Uncertain significance. Review status: criteria provided, multiple submitters, no conflicts (2 of 4 stars). 2 submissions from 2 submitters: Uncertain significance (2). Last evaluated 2025-08-19.

Conditions:
Inborn genetic diseases. Identifiers: MedGen C0950123, MeSH D030342.

gnomAD v4.1: 1 of 1,611,264 alleles (0.000062%); highest among the groups gnomAD compares: African/African-American, 0.0013%; no homozygotes.

Submissions (2):

Ambry Genetics
Classification: Uncertain significance for Inborn genetic diseases. Last evaluated: 2025-08-19. Review status: criteria provided, single submitter. Criteria: Ambry Variant Classification Scheme 2023. Collection method: clinical testing. Allele origin: germline.

GeneDx
Classification: Uncertain significance. Last evaluated: 2023-06-01. Review status: criteria provided, single submitter. Criteria: GeneDx Variant Classification Process June 2021. Collection method: clinical testing. Allele origin: germline. Affected: yes.
Comment: Not observed at significant frequency in large population cohorts (gnomAD); In silico analysis supports that this missense variant has a deleterious effect on protein structure/function; Has not been previously published as pathogenic or benign to our knowledge

NM_019074.4(DLL4):c.1640T>C (p.Met547Thr)

Gene: DLL4 (delta like canonical Notch ligand 4; plus strand). Cytogenetic location: 15q15.1.
Variant type: single nucleotide variant.
Coding change: c.1640T>C on transcript NM_019074.4 (MANE Select); coding-DNA position 1640, T replaced by C.
Protein change: p.Met547Thr; replaces methionine 547 with threonine.
Molecular consequence: missense variant.
Genome position (GRCh38, 1-based): chr15:40,936,627, T>C. VCF-style: chr15-40936627-T-C. GRCh37 (hg19) VCF-style: chr15-41228825-T-C.
Other names: short protein forms M547T.
Identifiers: ClinVar variation 3359281 (VCV003359281.2).